The following is an entry in ClinVar:

NM_001321075.3(DLG4):c.1046T>G (p.Leu349Arg)

Genes: DLG4 (discs large MAGUK scaffold protein 4; minus strand), LOC126862479 (MED14-independent group 3 enhancer GRCh37_chr17:7099412-7100611; plus strand). Cytogenetic location: 17p13.1.
Variant type: single nucleotide variant.
Coding change: c.1046T>G on transcript NM_001321075.3 (MANE Select); coding-DNA position 1046, T replaced by G.
Protein change: p.Leu349Arg; replaces leucine 349 with arginine.
Molecular consequence: missense variant. On other transcripts: non-coding transcript variant (1).
Genome position (GRCh38, 1-based): chr17:7,196,794, A>C on the plus strand (T>G on the coding strand, the complement: DLG4 is on the minus strand). VCF-style: chr17-7196794-A-C. GRCh37 (hg19) VCF-style: chr17-7100113-A-C.
Other names: c.1037T>G, p.Leu346Arg (NM_001128827.4); c.1166T>G, p.Leu389Arg (NM_001321074.1); c.866T>G, p.Leu289Arg (NM_001321076.3, NM_001321077.3); c.1175T>G, p.Leu392Arg (NM_001365.5); c.965T>G, p.Leu322Arg (NM_001369566.3); short protein forms L346R, L392R, L322R, L349R, L389R, L289R.
Identifiers: ClinVar variation 4087944 (VCV004087944.1).

ClinVar aggregate classification (germline): Uncertain significance (1 of 4 stars; one submission).

Submission:

GeneDx
Classification: Uncertain significance. Last evaluated: 2025-03-25. Review status: criteria provided, single submitter. Criteria: GeneDx Variant Classification Process June 2021. Collection method: clinical testing. Allele origin: germline. Affected: yes.
Comment: Not observed at significant frequency in large population cohorts (gnomAD); In silico analysis supports that this missense variant has a deleterious effect on protein structure/function; Has not been previously published as pathogenic or benign to our knowledge